The following is an entry in ClinVar:

ClinVar aggregate classification (germline): Uncertain significance (1 of 4 stars; one submission).

Conditions:
Hypercholesterolemia, autosomal dominant, 3 (FHCL3). Also called: Familial Hypercholesterolemia, Autosomal Dominant, 3; PCSK9-Related Familial Hypercholesterolemia, Autosomal Dominant; Familial hypercholesterolemia 3. Identifiers: MedGen C1863551, MONDO:0011369, OMIM 603776.

Allele frequency attached by ClinVar (database versions not stated): ExAC 0.00001; gnomAD 0.00001; TOPMed 0.00002.

Submission:

All of Us Research Program, National Institutes of Health
Classification: Uncertain significance for Hypercholesterolemia, autosomal dominant, 3. Last evaluated: 2023-06-08. Review status: criteria provided, single submitter. Criteria: ACMG Guidelines, 2015. Collection method: clinical testing. Allele origin: germline. Inheritance: Autosomal dominant inheritance. Observed: 1 variant allele, 1 heterozygote.
Comment: This missense variant replaces proline with serine at codon 282 of the PCSK9 protein. Computational prediction suggests that this variant may not impact protein structure and function (internally defined REVEL score threshold <= 0.5, PMID: 27666373). To our knowledge, functional studies have not been reported for this variant. This variant has not been reported in individuals affected with PCSK9-related disorders in the literature. This variant has been identified in 1/242960 chromosomes in the general population by the Genome Aggregation Database (gnomAD). The available evidence is insufficient to determine the role of this variant in disease conclusively. Therefore, this variant is classified as a Variant of Uncertain Significance.

This study involves interpretation of variants in research participants for the purpose of population health screening. Participant phenotype was not available at the time of variant classification. Additional details can be found in publication PMID: 35346344, PMCID: PMC8962531

NM_174936.4(PCSK9):c.844C>T (p.Pro282Ser)

Gene: PCSK9 (proprotein convertase subtilisin/kexin type 9; plus strand). Cytogenetic location: 1p32.3.
Variant type: single nucleotide variant.
Coding change: c.844C>T on transcript NM_174936.4 (MANE Select); coding-DNA position 844, C replaced by T.
Protein change: p.Pro282Ser; replaces proline 282 with serine.
Molecular consequence: missense variant. On other transcripts: non-coding transcript variant (8).
Genome position (GRCh38, 1-based): chr1:55,056,037, C>T. VCF-style: chr1-55056037-C-T. GRCh37 (hg19) VCF-style: chr1-55521710-C-T.
Other names: c.967C>T, p.Pro323Ser (NM_001407240.1); c.844C>T, p.Pro282Ser (NM_001407241.1, NM_001407244.1, NM_001407247.1); c.847C>T, p.Pro283Ser (NM_001407242.1); c.787C>T, p.Pro263Ser (NM_001407243.1); c.652C>T, p.Pro218Ser (NM_001407245.1); c.469C>T, p.Pro157Ser (NM_001407246.1); short protein forms P157S, P218S, P263S, P282S, P283S, P323S.
Identifiers: ClinVar variation 3071545 (VCV003071545.1), dbSNP rs758526036, ClinGen allele CA044840.
Genomic context (GRCh38, chr1:55,056,037, plus strand): 5'-GCTTTGTTCCTCCCAGGCCTGGAGTTTATTCGGAAAAGCCAGCTGGTCCAGCCTGTGGGG[C>T]CACTGGTGGTGCTGCTGCCCCTGGCGGGTGGGTACAGCCGCGTCCTCAACGCCGCCTGCC-3'
Protein context (NP_777596.2, residues 272-292): RKSQLVQPVG[Pro282Ser]LVVLLPLAGG